The following is an entry in ClinVar:

NC_000016.9:g.(?_78148853)_(78198206_?)del

Gene: WWOX (WW domain containing oxidoreductase; plus strand). Cytogenetic location: 16q23.1.
Variant type: Deletion.
Identifiers: ClinVar variation 2426301 (VCV002426301.6).

ClinVar aggregate classification (germline): Pathogenic (1 of 4 stars; one submission).

Conditions:
Autosomal recessive spinocerebellar ataxia 12. Also called: SPINOCEREBELLAR ATAXIA WITH MENTAL RETARDATION AND EPILEPSY. Identifiers: Orphanet 284282, MedGen C3280452, MONDO:0013687, OMIM 614322.
Developmental and epileptic encephalopathy, 1 (DEE1). Also called: Epileptic encephalopathy, early infantile, 1; INFANTILE SPASM SYNDROME, X-LINKED 1; X-linked infantile spasms; West's syndrome; Tonic spasms with clustering, arrest of psychomotor development and hypsarrhythmia on EEG; X-Linked Infantile Spasm Syndrome. Identifiers: MedGen C3463992, MONDO:0010632, OMIM 308350. Disease mechanism: loss of function.

Submission:

Labcorp Genetics (formerly Invitae), Labcorp
Classification: Pathogenic for Developmental and epileptic encephalopathy, 1; Autosomal recessive spinocerebellar ataxia 12. Last evaluated: 2022-09-01. Review status: criteria provided, single submitter. Criteria: Invitae Variant Classification Sherloc (09022015). Collection method: clinical testing. Allele origin: germline.
Comment: For these reasons, this variant has been classified as Pathogenic. This variant has not been reported in the literature in individuals affected with WWOX-related conditions. This variant is a gross deletion of the genomic region encompassing exon(s) 4-5 of the WWOX gene. This deletion is out-of-frame, and is expected to create a premature termination codon and result in an absent or disrupted protein product. Loss-of-function variants in WWOX are known to be pathogenic (PMID: 24456803, 25411445).

Literature cited by the submitters: PubMed 24456803; PubMed 25411445.